The following is an entry in ClinVar:

NM_018417.6(ADCY10):c.3696C>T (p.His1232=)

Gene: ADCY10 (adenylate cyclase 10; minus strand). Cytogenetic location: 1q24.2.
Variant type: single nucleotide variant.
Coding change: c.3696C>T on transcript NM_018417.6 (MANE Select); coding-DNA position 3696, C replaced by T.
Protein change: p.His1232=; no amino-acid change (histidine 1232 retained).
Molecular consequence: synonymous variant.
Genome position (GRCh38, 1-based): chr1:167,829,321, G>A on the plus strand (C>T on the coding strand, the complement: ADCY10 is on the minus strand). VCF-style: chr1-167829321-G-A. GRCh37 (hg19) VCF-style: chr1-167798559-G-A.
Other names: p.His1232=; c.3237C>T, p.His1079= (NM_001167749.3); c.3420C>T, p.His1140= (NM_001297772.2).
Identifiers: ClinVar variation 767723 (VCV000767723.15), dbSNP rs61738852, ClinGen allele CA1227274.

ClinVar aggregate classification (germline): Benign/Likely benign. Review status: criteria provided, multiple submitters, no conflicts (2 of 4 stars). 6 submissions from 6 submitters: Benign (4); Likely benign (1). 1 of the submissions does not count toward it. Last evaluated 2026-02-01.

Conditions:
Familial idiopathic hypercalciuria (HCA2). Also called: Hypercalciuria, absorptive, susceptibility to; Hypercalciuria, absorptive, 2. Identifiers: MedGen C0342639, MONDO:0007748, OMIM 143870.
ADCY10-related disorder. Also called: ADCY10-related condition.

Allele frequency attached by ClinVar (database versions not stated): gnomAD exomes 0.00461; ExAC 0.00581; gnomAD 0.01667 and 0.01786; 1000 Genomes Project 0.02057; TOPMed 0.01939; 1000 Genomes Project 30x 0.02311; ESP Exome Variant Server 0.01853.
gnomAD v4.1: 4,943 of 1,614,086 alleles (0.31%); highest among the groups gnomAD compares: African/African-American, 5.6%; 123 homozygotes.

Submissions (6):

Labcorp Genetics (formerly Invitae), Labcorp
Classification: Benign. Last evaluated: 2026-02-01. Review status: criteria provided, single submitter. Criteria: Invitae Variant Classification Sherloc (09022015). Collection method: clinical testing. Allele origin: germline.

Mayo Clinic Laboratories, Mayo Clinic
Classification: Benign. Last evaluated: 2024-06-10. Review status: criteria provided, single submitter. Criteria: ACMG Guidelines, 2015. Collection method: clinical testing. Allele origin: germline. Observed: 4 variant alleles.

Fulgent Genetics
Classification: Likely benign for Familial idiopathic hypercalciuria. Last evaluated: 2021-07-21. Review status: criteria provided, single submitter. Criteria: ACMG Guidelines, 2015. Collection method: clinical testing. Allele origin: unknown.

GeneDx
Classification: Benign. Last evaluated: 2021-05-04. Review status: criteria provided, single submitter. Criteria: GeneDx Variant Classification Process June 2021. Collection method: clinical testing. Allele origin: germline. Affected: yes.

Breakthrough Genomics
Classification: Benign. Review status: criteria provided, single submitter. Criteria: ACMG Guidelines, 2015. Collection method: not provided. Allele origin: germline. Inheritance: Autosomal dominant inheritance. Affected: yes.

PreventionGenetics, part of Exact Sciences
Classification: Benign for ADCY10-related condition. Last evaluated: 2019-03-25. Review status: no assertion criteria provided. Collection method: clinical testing. Allele origin: germline. Not counted in ClinVar's aggregate classification.
Comment: This variant is classified as benign based on ACMG/AMP sequence variant interpretation guidelines (Richards et al. 2015 PMID: 25741868, with internal and published modifications).